The following is an entry in ClinVar:

ClinVar aggregate classification (germline): Uncertain significance. Review status: criteria provided, multiple submitters, no conflicts (2 of 4 stars). 3 submissions from 3 submitters: Uncertain significance (3). Last evaluated 2022-08-13.

Conditions:
Long QT syndrome (LQTS). Identifiers: MedGen C0023976, MeSH D008133, MONDO:0002442. Disease mechanism: loss of function. Inheritance: Various modes of inheritance.
Cardiovascular phenotype. Identifiers: MedGen CN230736.

Allele frequency attached by ClinVar (database versions not stated): gnomAD exomes 0.00001 and 0.00002; TOPMed 0.00001; ExAC 0.00003.
gnomAD v4.1: 14 of 1,613,156 alleles (0.00087%); highest among the groups gnomAD compares: South Asian, 0.011%; no homozygotes.

Submissions (3):

Labcorp Genetics (formerly Invitae), Labcorp
Classification: Uncertain significance for Long QT syndrome. Last evaluated: 2022-08-13. Review status: criteria provided, single submitter. Criteria: Invitae Variant Classification Sherloc (09022015). Collection method: clinical testing. Allele origin: germline.
Comment: Algorithms developed to predict the effect of missense changes on protein structure and function output the following: SIFT: "Tolerated"; PolyPhen-2: "Benign"; Align-GVGD: "Class C0". The valine amino acid residue is found in multiple mammalian species, which suggests that this missense change does not adversely affect protein function. In summary, the available evidence is currently insufficient to determine the role of this variant in disease. Therefore, it has been classified as a Variant of Uncertain Significance. ClinVar contains an entry for this variant (Variation ID: 190525). This variant has not been reported in the literature in individuals affected with ANK2-related conditions. This variant is present in population databases (rs750428090, gnomAD 0.01%). This sequence change replaces isoleucine, which is neutral and non-polar, with valine, which is neutral and non-polar, at codon 827 of the ANK2 protein (p.Ile827Val).

Ambry Genetics
Classification: Uncertain significance for Cardiovascular phenotype. Last evaluated: 2017-02-10. Review status: criteria provided, single submitter. Criteria: Ambry Variant Classification Scheme 2023. Collection method: clinical testing. Allele origin: germline.
Comment: The p.I827V variant (also known as c.2479A>G), located in coding exon 23 of the ANK2 gene, results from an A to G substitution at nucleotide position 2479. The isoleucine at codon 827 is replaced by valine, an amino acid with highly similar properties. This amino acid position is not well conserved in available vertebrate species, and valine is the reference amino acid in other vertebrate species. In addition, this alteration is predicted to be tolerated by in silico analysis. Since supporting evidence is limited at this time, the clinical significance of this alteration remains unclear.

GeneDx
Classification: Uncertain significance. Last evaluated: 2016-06-29. Review status: criteria provided, single submitter. Criteria: GeneDx Variant Classification (06012015). Collection method: clinical testing. Allele origin: germline. Affected: yes.
Comment: The I827V variant has not been published as a pathogenic or benign variant to our knowledge. This variant was not observed in approximately 6,500 individuals of European and African American ancestry in the NHLBI Exome Sequencing Project, indicating it is not a common benign variant in these populations. Nevertheless, I827V is classified in ClinVar as a variant of uncertain significance in association with LQTS by another clinical laboratory (ClinVar SCV000286238.1; Landrum et al., 2016). The I827V variant is a conservative amino acid substitution, and therefore is not likely to impact secondary protein structure as these residues share similar properties. Additionally, this substitution occurs at a position that is not conserved, and V827 is tolerated in several species. In silico analysis is inconsistent in its predictions; however, at least two models predict the variant is not damaging to the protein structure/function.

NM_001148.6(ANK2):c.2479A>G (p.Ile827Val)

Gene: ANK2 (ankyrin 2; plus strand). Cytogenetic location: 4q26.
Variant type: single nucleotide variant.
Coding change: c.2479A>G on transcript NM_001148.6 (MANE Select); coding-DNA position 2479, A replaced by G.
Protein change: p.Ile827Val; replaces isoleucine 827 with valine.
Molecular consequence: missense variant.
Genome position (GRCh38, 1-based): chr4:113,302,770, A>G. VCF-style: chr4-113302770-A-G. GRCh37 (hg19) VCF-style: chr4-114223926-A-G.
Other names: p.I827V:ATT>GTT; c.2416A>G, p.Ile806Val (NM_001127493.3, NM_001354239.2, NM_001354243.2 and 10 more transcripts); c.2479A>G, p.Ile827Val (NM_001354225.2, NM_001354228.2, NM_001354232.2 and 6 more transcripts); c.2524A>G, p.Ile842Val (NM_001354230.2, NM_001354231.2, NM_001354237.2 and 5 more transcripts); c.2380A>G, p.Ile794Val (NM_001354245.2, NM_001354268.2); c.2392A>G, p.Ile798Val (NM_001354249.2, NM_001354264.2, NM_001354266.2 and 10 more transcripts); c.2317A>G, p.Ile773Val (NM_001354253.2, NM_001354257.2, NM_001354270.2 and 1 more transcripts); c.2293A>G, p.Ile765Val (NM_001354260.2, NM_001354271.2, NM_001386151.1); and 10 more; short protein forms I806V, I827V, I36V, I765V, I842V, I813V, I732V, I773V.
Identifiers: ClinVar variation 190525 (VCV000190525.12), dbSNP rs750428090, ClinGen allele CA300707.
Genomic context (GRCh38, chr4:113,302,770, plus strand): 5'-TCATCTTTTGTTTACTTTTGGTTTCAACTTGAACATTAATGATTTTTGTTTTTCCAGACT[A>G]TTACAGAAAAACACAAACTAAATGTACCTGAGACGATGACTGAGGTTCTTGATGTTTCTG-3'
Protein context (NP_001139.3, residues 817-837): TEEVTTTTTT[Ile827Val]TEKHKLNVPE